The following is an entry in ClinVar:

ClinVar aggregate classification (germline): Likely benign. Review status: criteria provided, multiple submitters, no conflicts (2 of 4 stars). 2 submissions from 2 submitters: Likely benign (2). Last evaluated 2026-08-13.

gnomAD v4.1: 37 of 1,614,186 alleles (0.0023%); highest among the groups gnomAD compares: Middle Eastern, 0.016%; no homozygotes.

Submissions (2):

Ambry Genetics
Classification: Likely benign. Last evaluated: 2026-08-13. Review status: criteria provided, single submitter. Criteria: Ambry Variant Classification Scheme 2023. Collection method: clinical testing. Allele origin: germline.

CeGaT Center for Human Genetics Tuebingen
Classification: Likely benign. Last evaluated: 2026-05-01. Review status: criteria provided, single submitter. Criteria: CeGaT Center For Human Genetics Tuebingen Variant Classification Criteria Version 2. Collection method: clinical testing. Allele origin: germline. Affected: yes. Observed: 2 variant alleles.
Comment: ZFHX3: BP4, BP7

NM_006885.4(ZFHX3):c.900C>T (p.His300=)

Gene: ZFHX3 (zinc finger homeobox 3; minus strand). Cytogenetic location: 16q22.3.
Variant type: single nucleotide variant.
Coding change: c.900C>T on transcript NM_006885.4 (MANE Select); coding-DNA position 900, C replaced by T.
Protein change: p.His300=; no amino-acid change (histidine 300 retained).
Molecular consequence: synonymous variant. On other transcripts: intron variant (1).
Genome position (GRCh38, 1-based): chr16:72,959,246, G>A on the plus strand (C>T on the coding strand, the complement: ZFHX3 is on the minus strand). VCF-style: chr16-72959246-G-A. GRCh37 (hg19) VCF-style: chr16-72993145-G-A.
Other names: c.900C>T (NM_006885.3); c.900C>T, p.His300= (NM_001386735.1); c.-23-8281C>T (NM_001164766.2).
Identifiers: ClinVar variation 3905304 (VCV003905304.11).
Genomic context (GRCh38, chr16:72,959,246, plus strand): 5'-CTTATTGCTAAGAATTTTCCGCTCGTCTTCGCTCAGGGTCATTCGATGGTCATGCACCGC[G>A]TGGGTCACAAACGAACGGACGTACCCAAAGGAGAGTTTGCACAAGAAACACATCAGGATG-3'
Protein context (NP_008816.3, residues 290-310): SFGYVRSFVT[His300=]AVHDHRMTLS